The following is an entry in ClinVar:

NM_012186.3(FOXE3):c.177G>A (p.Pro59=)

Genes: LINC01389 (long independently transcribed non-coding RNA 1389; minus strand), FOXE3 (forkhead box E3; plus strand). Cytogenetic location: 1p33.
Variant type: single nucleotide variant.
Coding change: c.177G>A on transcript NM_012186.3 (MANE Select); coding-DNA position 177, G replaced by A.
Protein change: p.Pro59=; no amino-acid change (proline 59 retained).
Molecular consequence: synonymous variant.
Genome position (GRCh38, 1-based): chr1:47,416,492, G>A. VCF-style: chr1-47416492-G-A. GRCh37 (hg19) VCF-style: chr1-47882164-G-A.
Identifiers: ClinVar variation 3761516 (VCV003761516.2).

ClinVar aggregate classification (germline): Uncertain significance (1 of 4 stars; one submission).

Conditions:
Congenital primary aphakia. Also called: Anterior segment dysgenesis 2, multiple subtypes; ANTERIOR SEGMENT DYSGENESIS 2. Identifiers: Orphanet 83461, MedGen C1853230, MONDO:0012456, OMIM 610256.
Anterior segment dysgenesis. Also called: Ocular anterior segment dysgenesis. Identifiers: Orphanet 88632, MedGen C1862839, MONDO:0019503, HP:0007700.

gnomAD v4.1: 5 of 1,214,256 alleles (0.00041%); highest among the groups gnomAD compares: Non-Finnish European, 0.00052%; no homozygotes.

Submission:

Labcorp Genetics (formerly Invitae), Labcorp
Classification: Uncertain significance for Anterior segment dysgenesis; Congenital primary aphakia. Last evaluated: 2025-12-15. Review status: criteria provided, single submitter. Criteria: Invitae Variant Classification Sherloc (09022015). Collection method: clinical testing. Allele origin: germline.
Comment: This sequence change affects codon 59 of the FOXE3 mRNA. It is a 'silent' change, meaning that it does not change the encoded amino acid sequence of the FOXE3 protein. This variant is not present in population databases (gnomAD no frequency). This variant has not been reported in the literature in individuals affected with FOXE3-related conditions. ClinVar contains an entry for this variant (Variation ID: 3761516). In summary, the available evidence is currently insufficient to determine the role of this variant in disease. Therefore, it has been classified as a Variant of Uncertain Significance.